The following is an entry in ClinVar:

ClinVar aggregate classification (germline): Uncertain significance (1 of 4 stars; one submission).

Submission:

Labcorp Genetics (formerly Invitae), Labcorp
Classification: Uncertain significance. Last evaluated: 2025-05-05. Review status: criteria provided, single submitter. Criteria: Invitae Variant Classification Sherloc (09022015). Collection method: clinical testing. Allele origin: germline.
Comment: This sequence change replaces arginine, which is basic and polar, with lysine, which is basic and polar, at codon 494 of the GCM2 protein (p.Arg494Lys). This variant is present in population databases (no rsID available, gnomAD 0.02%). This variant has not been reported in the literature in individuals affected with GCM2-related conditions. An algorithm developed to predict the effect of missense changes on protein structure and function outputs the following: PolyPhen-2: "Benign". The lysine amino acid residue is found in multiple mammalian species, which suggests that this missense change does not adversely affect protein function. In summary, the available evidence is currently insufficient to determine the role of this variant in disease. Therefore, it has been classified as a Variant of Uncertain Significance.

NM_004752.4(GCM2):c.1481G>A (p.Arg494Lys)

Gene: GCM2 (glial cells missing transcription factor 2; minus strand). Cytogenetic location: 6p24.2.
Variant type: single nucleotide variant.
Coding change: c.1481G>A on transcript NM_004752.4 (MANE Select); coding-DNA position 1481, G replaced by A.
Protein change: p.Arg494Lys; replaces arginine 494 with lysine.
Molecular consequence: missense variant.
Genome position (GRCh38, 1-based): chr6:10,874,035, C>T on the plus strand (G>A on the coding strand, the complement: GCM2 is on the minus strand). VCF-style: chr6-10874035-C-T. GRCh37 (hg19) VCF-style: chr6-10874268-C-T.
Other names: short protein forms R494K.
Identifiers: ClinVar variation 4779041 (VCV004779041.1).